The following is an entry in ClinVar:

NM_016327.3(UPB1):c.887_890del (p.Asn296fs)

Gene: UPB1 (beta-ureidopropionase 1; plus strand). Cytogenetic location: 22q11.23.
Variant type: Deletion.
Coding change: c.887_890del on transcript NM_016327.3 (MANE Select); coding-DNA positions 887 to 890, 4 bases deleted (ACGA; older notation c.887_890delACGA).
Protein change: p.Asn296fs; shifts the reading frame from asparagine 296.
Molecular consequence: frameshift variant.
Genome position (GRCh38, 1-based): chr22:24,521,999-24,522,002, ACGA deleted; deleting any 4 consecutive bases within chr22:24,521,996-24,522,002 gives the same sequence; the c. name uses the placement nearest the transcript's 3' end. VCF-style (leftmost placement, unchanged base first): chr22-24521995-CCGAA-C. GRCh37 (hg19) VCF-style: chr22-24917963-CCGAA-C.
Other names: short protein forms N296fs.
Identifiers: ClinVar variation 4770134 (VCV004770134.1).

ClinVar aggregate classification (germline): Pathogenic (1 of 4 stars; one submission).

Submission:

Labcorp Genetics (formerly Invitae), Labcorp
Classification: Pathogenic. Last evaluated: 2026-01-14. Review status: criteria provided, single submitter. Criteria: Invitae Variant Classification Sherloc (09022015). Collection method: clinical testing. Allele origin: germline.
Comment: This sequence change creates a premature translational stop signal (p.Asn296Serfs*42) in the UPB1 gene. It is expected to result in an absent or disrupted protein product. Loss-of-function variants in UPB1 are known to be pathogenic (PMID: 15385443, 22525402). This variant is present in population databases (no rsID available, gnomAD 0.007%). This variant has not been reported in the literature in individuals affected with UPB1-related conditions. For these reasons, this variant has been classified as Pathogenic.

Literature cited by the submitters: PubMed 15385443; PubMed 22525402.